The following is an entry in ClinVar:

ClinVar aggregate classification (germline): Pathogenic. Review status: criteria provided, multiple submitters, no conflicts (2 of 4 stars). 3 submissions from 3 submitters: Pathogenic (2). 1 of the submissions does not count toward it. Last evaluated 2025-01-14.

Conditions:
Citrullinemia. Identifiers: Orphanet 187, MedGen C0175683, MONDO:0015991.
Citrullinemia type I (CTNL1). Also called: argininosuccinate synthetase deficiency; ASS DEFICIENCY. Identifiers: Orphanet 247525, MedGen C4721769, MONDO:0008988, OMIM 215700.

Submissions (3):

Natera, Inc.
Classification: Pathogenic for Citrullinemia type I. Last evaluated: 2025-01-14. Review status: criteria provided, single submitter. Criteria: Natera Variant Classification Schema (03/2026). Collection method: clinical testing. Allele origin: germline.
Comment: The c.848delA variant in ASS1 is a frameshift variant predicted to shift the reading frame beginning at codon 283 and leads to a stop codon 13 codons downstream. This variant is expected to result in nonsense mediated decay, truncation, or a dysfunctional protein product. This variant is rare in the general population with a frequency below the threshold expected for the associated phenotype(s). This variant has been observed in one or more individuals affected with the associated recessive disease, as either homozygous or compound heterozygous with a second variant (PMID: 36263152). Given the available evidence, this variant is classified as Pathogenic.

Baylor Genetics
Classification: Pathogenic for Citrullinemia type I. Last evaluated: 2023-12-25. Review status: criteria provided, single submitter. Criteria: ACMG Guidelines, 2015. Collection method: clinical testing. Allele origin: unknown.

Department of Reproductive Genetics, International Peace Maternity and Child Health Hospital, Shanghai Jiao Tong University School of Medicine
Classification: Pathogenic for Citrullinemia. Last evaluated: 2025-05-01. Review status: no assertion criteria provided. Collection method: clinical testing. Allele origin: inherited. Affected: yes. Not counted in ClinVar's aggregate classification.
Comment: The NM_000050.4(ASS1):c.848del variant causes a frameshift change (p.Glu283GlyfsTer13)involving the alteration of a conserved nucleotide.

Literature cited by the submitters: PubMed 36263152 (cited by Natera, Inc.).

NM_054012.4(ASS1):c.848del (p.Glu283fs)

Gene: ASS1 (argininosuccinate synthase 1; plus strand). Cytogenetic location: 9q34.11.
Variant type: Deletion.
Coding change: c.848del on transcript NM_054012.4 (MANE Select); coding-DNA position 848, one base deleted (A; older notation c.848delA).
Protein change: p.Glu283fs; shifts the reading frame from glutamic acid 283.
Molecular consequence: frameshift variant.
Genome position (GRCh38, 1-based): chr9:130,489,342, A deleted. VCF-style (leftmost placement, unchanged base first): chr9-130489341-GA-G. GRCh37 (hg19) VCF-style: chr9-133364728-GA-G.
Other names: c.848del, p.Glu283fs (NM_000050.4); c.848delA (NM_000050.4); short protein forms E283fs.
Identifiers: ClinVar variation 2679029 (VCV002679029.4), dbSNP rs2490610455, ClinGen allele CA2695199421.